The following is an entry in ClinVar:

ClinVar aggregate classification (germline): Pathogenic (1 of 4 stars; one submission).

Conditions:
Hyperekplexia 3 (HKPX3). Also called: HYPEREKPLEXIA 3, AUTOSOMAL RECESSIVE; HYPEREKPLEXIA 3, AUTOSOMAL DOMINANT. Identifiers: Orphanet 3197, MedGen C3553288, MONDO:0013827, OMIM 614618.

Submission:

Labcorp Genetics (formerly Invitae), Labcorp
Classification: Pathogenic for Hyperekplexia 3. Last evaluated: 2022-01-04. Review status: criteria provided, single submitter. Criteria: Invitae Variant Classification Sherloc (09022015). Collection method: clinical testing. Allele origin: germline.
Comment: For these reasons, this variant has been classified as Pathogenic. Algorithms developed to predict the effect of sequence changes on RNA splicing suggest that this variant may disrupt the consensus splice site. Disruption of this splice site has been observed in individual(s) with hyperekplexia (Invitae). In at least one individual the data is consistent with being in trans (on the opposite chromosome) from a pathogenic variant. This variant is not present in population databases (gnomAD no frequency). This sequence change affects a donor splice site in intron 4 of the SLC6A5 gene. It is expected to disrupt RNA splicing. Variants that disrupt the donor or acceptor splice site typically lead to a loss of protein function (PMID: 16199547), and loss-of-function variants in SLC6A5 are known to be pathogenic (PMID: 14622583, 16751771, 22700964).

Literature cited by the submitters: PubMed 16199547; PubMed 14622583; PubMed 16751771; PubMed 22700964.

NM_004211.5(SLC6A5):c.811+1G>T

Gene: SLC6A5 (solute carrier family 6 member 5; plus strand). Cytogenetic location: 11p15.1.
Variant type: single nucleotide variant.
Coding change: c.811+1G>T on transcript NM_004211.5 (MANE Select); the canonical splice donor site of the intron after coding-DNA position 811, G replaced by T.
Molecular consequence: splice donor variant.
Genome position (GRCh38, 1-based): chr11:20,607,139, G>T. VCF-style: chr11-20607139-G-T. GRCh37 (hg19) VCF-style: chr11-20628685-G-T.
Other names: c.109+1G>T (NM_001318369.2).
Identifiers: ClinVar variation 1971213 (VCV001971213.5), dbSNP rs2494105581, ClinGen allele CA379913908.